The following is an entry in ClinVar:

NM_015386.3(COG4):c.1061+3A>T

Gene: COG4 (component of oligomeric golgi complex 4; minus strand). Cytogenetic location: 16q22.1.
Variant type: single nucleotide variant.
Coding change: c.1061+3A>T on transcript NM_015386.3 (MANE Select); 3 bases into the intron after coding-DNA position 1061, A replaced by T.
Molecular consequence: intron variant.
Genome position (GRCh38, 1-based): chr16:70,508,403, T>A on the plus strand (A>T on the coding strand, the complement: COG4 is on the minus strand). VCF-style: chr16-70508403-T-A. GRCh37 (hg19) VCF-style: chr16-70542306-T-A.
Other names: c.1049+3A>T (NM_001195139.2); c.635+3A>T (NM_001365426.1).
Identifiers: ClinVar variation 3834893 (VCV003834893.1).

ClinVar aggregate classification (germline): Uncertain significance (1 of 4 stars; one submission).

Conditions:
Inborn genetic diseases. Identifiers: MedGen C0950123, MeSH D030342.

gnomAD v4.1: 2 of 1,610,366 alleles (0.00012%); highest among the groups gnomAD compares: Non-Finnish European, 0.00017%; no homozygotes.

Submission:

Ambry Genetics
Classification: Uncertain significance for Inborn genetic diseases. Last evaluated: 2025-01-15. Review status: criteria provided, single submitter. Criteria: Ambry Variant Classification Scheme 2023. Collection method: clinical testing. Allele origin: germline.
Comment: The c.1061+3A>T intronic alteration consists of a A to T substitution nucleotides after coding exon 8 in the COG4 gene. Based on insufficient or conflicting evidence, the clinical significance of this alteration remains unclear.